The following is an entry in ClinVar:

NM_006231.4(POLE):c.6581A>G (p.Tyr2194Cys)

Gene: POLE (DNA polymerase epsilon, catalytic subunit; minus strand). Cytogenetic location: 12q24.33.
Variant type: single nucleotide variant.
Coding change: c.6581A>G on transcript NM_006231.4 (MANE Select); coding-DNA position 6581, A replaced by G.
Protein change: p.Tyr2194Cys; replaces tyrosine 2194 with cysteine.
Molecular consequence: missense variant.
Genome position (GRCh38, 1-based): chr12:132,625,721, T>C on the plus strand (A>G on the coding strand, the complement: POLE is on the minus strand). VCF-style: chr12-132625721-T-C. GRCh37 (hg19) VCF-style: chr12-133202307-T-C.
Other names: c.6581A>G (NM_006231.2); short protein forms Y2194C.
Identifiers: ClinVar variation 405850 (VCV000405850.15), dbSNP rs1060500872, ClinGen allele CA16613701.

ClinVar aggregate classification (germline): Uncertain significance. Review status: criteria provided, multiple submitters, no conflicts (2 of 4 stars). 3 submissions from 3 submitters: Uncertain significance (3). Last evaluated 2026-05-20.

Conditions:
Hereditary cancer-predisposing syndrome. Also called: Hereditary Cancer Syndrome; Tumor predisposition; Hereditary neoplastic syndrome; Neoplastic Syndromes, Hereditary. Identifiers: Orphanet 140162, MedGen C0027672, MeSH D009386, MONDO:0015356.
Familial colorectal cancer. Identifiers: MedGen CN280943, MONDO:0023113. Disease mechanism: loss of function.

Allele frequency attached by ClinVar (database versions not stated): gnomAD exomes below 0.00001.

Submissions (3):

Ambry Genetics
Classification: Uncertain significance for Hereditary cancer-predisposing syndrome. Last evaluated: 2026-05-20. Review status: criteria provided, single submitter. Criteria: Ambry Variant Classification Scheme 2023. Collection method: clinical testing. Allele origin: germline.
Comment: The p.Y2194C variant (also known as c.6581A>G), located in coding exon 47 of the POLE gene, results from an A to G substitution at nucleotide position 6581. The tyrosine at codon 2194 is replaced by cysteine, an amino acid with highly dissimilar properties. This amino acid position is highly conserved in available vertebrate species. In addition, the in silico prediction for this alteration is inconclusive. Based on the available evidence, the clinical significance of this variant remains unclear.

Labcorp Genetics (formerly Invitae), Labcorp
Classification: Uncertain significance. Last evaluated: 2025-07-31. Review status: criteria provided, single submitter. Criteria: Invitae Variant Classification Sherloc (09022015). Collection method: clinical testing. Allele origin: germline.
Comment: This sequence change replaces tyrosine, which is neutral and polar, with cysteine, which is neutral and slightly polar, at codon 2194 of the POLE protein (p.Tyr2194Cys). This variant is not present in population databases (gnomAD no frequency). This missense change has been observed in individual(s) with breast cancer (PMID: 35264596). ClinVar contains an entry for this variant (Variation ID: 405850). Invitae Evidence Modeling of protein sequence and biophysical properties (such as structural, functional, and spatial information, amino acid conservation, physicochemical variation, residue mobility, and thermodynamic stability) indicates that this missense variant is expected to disrupt POLE protein function with a positive predictive value of 80%. In summary, the available evidence is currently insufficient to determine the role of this variant in disease. Therefore, it has been classified as a Variant of Uncertain Significance.

Mendelics
Classification: Uncertain significance for Familial colorectal cancer. Last evaluated: 2018-07-02. Review status: criteria provided, single submitter. Criteria: Mendelics Assertion Criteria 2017. Collection method: clinical testing. Allele origin: unknown.

Literature cited by the submitters: PubMed 35264596 (cited by Labcorp Genetics (formerly Invitae), Labcorp).